The following is an entry in ClinVar:

ClinVar aggregate classification (germline): Uncertain significance. Review status: criteria provided, multiple submitters, no conflicts (2 of 4 stars). 3 submissions from 3 submitters: Uncertain significance (3). Last evaluated 2024-03-06.

Conditions:
Cardiomyopathy (CMYO). Also called: Cardiomyopathies. Identifiers: Orphanet 167848, MedGen C0878544, MONDO:0004994, HP:0001638. Inheritance: Various modes of inheritance.
Hypertrophic cardiomyopathy. Also called: HYPERTROPHIC MYOCARDIOPATHY. Identifiers: Orphanet 217569, MedGen C0007194, MeSH D002312, MONDO:0005045, HP:0001639.

Allele frequency attached by ClinVar (database versions not stated): gnomAD exomes 0.00001; ExAC 0.00003.
gnomAD v4.1: 4 of 1,592,036 alleles (0.00025%); highest among the groups gnomAD compares: East Asian, 0.0045%; no homozygotes.

Submissions (3):

Color Diagnostics, LLC DBA Color Health
Classification: Uncertain significance for Cardiomyopathy. Last evaluated: 2024-03-06. Review status: criteria provided, single submitter. Criteria: ACMG Guidelines, 2015. Collection method: clinical testing. Allele origin: germline.
Comment: This missense variant replaces arginine with histidine at codon 1167 of the MYH7 protein. Computational prediction suggests that this variant may have deleterious impact on protein structure and function (internally defined REVEL score threshold >= 0.7, PMID: 27666373). To our knowledge, functional studies have not been reported for this variant. This variant has not been reported in individuals affected with cardiovascular disorders in the literature. This variant has been identified in 2/224248 chromosomes in the general population by the Genome Aggregation Database (gnomAD). The available evidence is insufficient to determine the role of this variant in disease conclusively. Therefore, this variant is classified as a Variant of Uncertain Significance.

All of Us Research Program, National Institutes of Health
Classification: Uncertain significance for Cardiomyopathy. Last evaluated: 2024-03-05. Review status: criteria provided, single submitter. Criteria: ACMG Guidelines, 2015. Collection method: clinical testing. Allele origin: germline. Inheritance: Autosomal dominant inheritance. Observed: 1 variant allele, 1 heterozygote.
Comment: This study involves interpretation of variants in research participants for the purpose of population health screening. Participant phenotype was not available at the time of variant classification. Additional details can be found in publication PMID: 35346344, PMCID: PMC8962531

Labcorp Genetics (formerly Invitae), Labcorp
Classification: Uncertain significance for Hypertrophic cardiomyopathy. Last evaluated: 2022-06-04. Review status: criteria provided, single submitter. Criteria: Invitae Variant Classification Sherloc (09022015). Collection method: clinical testing. Allele origin: germline.
Comment: In summary, the available evidence is currently insufficient to determine the role of this variant in disease. Therefore, it has been classified as a Variant of Uncertain Significance. This sequence change replaces arginine, which is basic and polar, with histidine, which is basic and polar, at codon 1167 of the MYH7 protein (p.Arg1167His). This variant is present in population databases (rs766412659, gnomAD 0.01%). This variant has not been reported in the literature in individuals affected with MYH7-related conditions. ClinVar contains an entry for this variant (Variation ID: 847478). Algorithms developed to predict the effect of missense changes on protein structure and function are either unavailable or do not agree on the potential impact of this missense change (SIFT: "Deleterious"; PolyPhen-2: "Probably Damaging"; Align-GVGD: "Class C0").

NM_000257.4(MYH7):c.3500G>A (p.Arg1167His)

Gene: MYH7 (myosin heavy chain 7; minus strand). Cytogenetic location: 14q11.2.
Variant type: single nucleotide variant.
Coding change: c.3500G>A on transcript NM_000257.4 (MANE Select); coding-DNA position 3500, G replaced by A.
Protein change: p.Arg1167His; replaces arginine 1167 with histidine.
Molecular consequence: missense variant.
Genome position (GRCh38, 1-based): chr14:23,420,071, C>T on the plus strand (G>A on the coding strand, the complement: MYH7 is on the minus strand). VCF-style: chr14-23420071-C-T. GRCh37 (hg19) VCF-style: chr14-23889280-C-T.
Other names: short protein forms R1167H.
Identifiers: ClinVar variation 847478 (VCV000847478.11), dbSNP rs766412659, ClinGen allele CA037686.